The following is an entry in ClinVar:

ClinVar aggregate classification (germline): Uncertain significance (1 of 4 stars; one submission).

Submission:

GeneDx
Classification: Uncertain significance. Last evaluated: 2023-10-10. Review status: criteria provided, single submitter. Criteria: GeneDx Variant Classification Process June 2021. Collection method: clinical testing. Allele origin: germline. Affected: yes.
Comment: Not observed at significant frequency in large population cohorts (gnomAD); Missense variants in this gene are a common cause of disease and they are underrepresented in the general population; In silico analysis supports that this missense variant has a deleterious effect on protein structure/function; Has not been previously published as pathogenic or benign to our knowledge; This variant is associated with the following publications: (PMID: 25630502)

NM_033337.3(CAV3):c.115G>A (p.Val39Met)

Genes: CAV3 (caveolin 3; plus strand), OXTR (oxytocin receptor; minus strand). Cytogenetic location: 3p25.3.
Variant type: single nucleotide variant.
Coding change: c.115G>A on transcript NM_033337.3 (MANE Select); coding-DNA position 115, G replaced by A.
Protein change: p.Val39Met; replaces valine 39 with methionine.
Molecular consequence: missense variant.
Genome position (GRCh38, 1-based): chr3:8,745,526, G>A. VCF-style: chr3-8745526-G-A. GRCh37 (hg19) VCF-style: chr3-8787212-G-A.
Other names: c.115G>A, p.Val39Met (NM_001234.5); short protein forms V39M.
Identifiers: ClinVar variation 3365944 (VCV003365944.1).
Genomic context (GRCh38, chr3:8,745,526, plus strand): 5'-CAAAAGCTTGAGAAGCGGGTGGCTTCTGTGAGTTGAGGCTTCCCCTTGCCACCCCTGCAG[G>A]TGGATTTTGAAGACGTGATCGCAGAGCCTGTGGGCACCTACAGCTTTGACGGCGTGTGGA-3'
Protein context (NP_203123.1, residues 29-49): PKNINEDIVK[Val39Met]DFEDVIAEPV